The following is an entry in ClinVar:

ClinVar aggregate classification (germline): Uncertain significance (1 of 4 stars; one submission).

Allele frequency attached by ClinVar (database versions not stated): gnomAD exomes below 0.00001.
gnomAD v4.1: 1 of 1,614,234 alleles (0.000062%); highest among the groups gnomAD compares: Non-Finnish European, 0.000085%; no homozygotes.

Submission:

Labcorp Genetics (formerly Invitae), Labcorp
Classification: Uncertain significance. Last evaluated: 2023-07-30. Review status: criteria provided, single submitter. Criteria: Invitae Variant Classification Sherloc (09022015). Collection method: clinical testing. Allele origin: germline.
Comment: An algorithm developed to predict the effect of missense changes on protein structure and function (PolyPhen-2) suggests that this variant is likely to be tolerated. In summary, the available evidence is currently insufficient to determine the role of this variant in disease. Therefore, it has been classified as a Variant of Uncertain Significance. This variant has not been reported in the literature in individuals affected with LAMTOR2-related conditions. This variant is not present in population databases (gnomAD no frequency). This sequence change replaces phenylalanine, which is neutral and non-polar, with leucine, which is neutral and non-polar, at codon 71 of the LAMTOR2 protein (p.Phe71Leu).

NM_014017.4(LAMTOR2):c.213C>A (p.Phe71Leu)

Genes: LAMTOR2 (late endosomal/lysosomal adaptor, MAPK and MTOR activator 2; plus strand), LOC129931594 (ATAC-STARR-seq lymphoblastoid active region 1836; plus strand). Cytogenetic location: 1q22.
Variant type: single nucleotide variant.
Coding change: c.213C>A on transcript NM_014017.4 (MANE Select); coding-DNA position 213, C replaced by A.
Protein change: p.Phe71Leu; replaces phenylalanine 71 with leucine.
Molecular consequence: missense variant.
Genome position (GRCh38, 1-based): chr1:156,055,407, C>A. VCF-style: chr1-156055407-C-A. GRCh37 (hg19) VCF-style: chr1-156025198-C-A.
Other names: c.213C>A, p.Phe71Leu (NM_001145264.2); short protein forms F71L.
Identifiers: ClinVar variation 2868965 (VCV002868965.3), dbSNP rs2527689842, ClinGen allele CA342815239.
Genomic context (GRCh38, chr1:156,055,407, plus strand): 5'-CATCTGGGCCGCCTACGACCGGAACGGGAACCAAGCGTTTAATGAAGACAATCTCAAATT[C>A]ATCCTCATGGACTGCATGGTATGGAGAGGGGAGCCAGACTTCCCCTGTCCCCCAAAGGGG-3'
Protein context (NP_054736.1, residues 61-81): NQAFNEDNLK[Phe71Leu]ILMDCMEGRV